The following is an entry in ClinVar:

NM_032578.4(MYPN):c.112T>A (p.Ser38Thr)

Gene: MYPN (myopalladin; plus strand). Cytogenetic location: 10q21.3.
Variant type: single nucleotide variant.
Coding change: c.112T>A on transcript NM_032578.4 (MANE Select); coding-DNA position 112, T replaced by A.
Protein change: p.Ser38Thr; replaces serine 38 with threonine.
Molecular consequence: missense variant. On other transcripts: 5 prime UTR variant (1), non-coding transcript variant (1).
Genome position (GRCh38, 1-based): chr10:68,121,550, T>A. VCF-style: chr10-68121550-T-A. GRCh37 (hg19) VCF-style: chr10-69881307-T-A.
Other names: p.S38T:TCC>ACC; c.112T>A, p.Ser38Thr (NM_001256267.2); c.-1011T>A (NM_001256268.2); c.112T>A (NM_032578.2); short protein forms S38T.
Identifiers: ClinVar variation 201867 (VCV000201867.12), dbSNP rs761950155, ClinGen allele CA335263.

ClinVar aggregate classification (germline): Conflicting classifications of pathogenicity. Review status: criteria provided, conflicting classifications (1 of 4 stars). 4 submissions from 4 submitters: Uncertain significance (3); Likely benign (1). Last evaluated 2026-04-17.

Conditions:
MYPN-related myopathy (CMYO24). Also called: Nemaline myopathy 11, autosomal recessive. Identifiers: MedGen C4479186, MONDO:0015023, OMIM 617336.
Dilated cardiomyopathy 1KK (CMD1KK). Identifiers: Orphanet 154, Orphanet 75249, MedGen C3714995, MONDO:0014100, OMIM 615248.
Cardiovascular phenotype. Identifiers: MedGen CN230736.

Allele frequency attached by ClinVar (database versions not stated): TOPMed below 0.00001; ExAC 0.00001; gnomAD exomes below 0.00001 and 0.00002; gnomAD 0.00001.
gnomAD v4.1: 28 of 1,614,034 alleles (0.0017%); highest among the groups gnomAD compares: African/African-American, 0.0027%; no homozygotes.

Submissions (4):

Ambry Genetics
Classification: Likely benign for Cardiovascular phenotype. Last evaluated: 2026-04-17. Review status: criteria provided, single submitter. Criteria: Ambry Variant Classification Scheme 2023. Collection method: clinical testing. Allele origin: germline.

Clinical Genomics Laboratory, Stanford Medicine
Classification: Uncertain significance for Dilated cardiomyopathy 1KK; MYPN-related myopathy. Last evaluated: 2023-08-15. Review status: criteria provided, single submitter. Criteria: ACMG Guidelines, 2015. Collection method: clinical testing. Allele origin: germline. Observed: 1 variant allele, 1 heterozygote.
Comment: The p.Ser38Thr variant in the MYPN gene has not been previously reported in association with disease. This variant has been identified in 2/129,048 European non-Finnish chromosomes (2/282,704 chromosomes overall) by the Genome Aggregation Database.This variant is present in ClinVar (VCV000201867.10). The serine at position 38 is moderately evolutionarily conserved; however, threonine is observed at this position in several mammalian species. Computational tools predict that the p.Ser38Thr variant does not impact protein function; however, the accuracy of in silico algorithms is limited. These data were assessed using the ACMG/AMP variant interpretation guidelines. In summary, the significance of the p.Ser38Thr variant is uncertain. Additional information is needed to resolve the significance of this variant. [ACMG evidence codes used: PM2; BP4]

Labcorp Genetics (formerly Invitae), Labcorp
Classification: Uncertain significance for Dilated cardiomyopathy 1KK. Last evaluated: 2021-08-28. Review status: criteria provided, single submitter. Criteria: Invitae Variant Classification Sherloc (09022015). Collection method: clinical testing. Allele origin: germline.
Comment: This sequence change replaces serine with threonine at codon 38 of the MYPN protein (p.Ser38Thr). The serine residue is moderately conserved and there is a small physicochemical difference between serine and threonine. This variant is present in population databases (rs761950155, ExAC 0.002%). This variant has not been reported in the literature in individuals affected with MYPN-related conditions. ClinVar contains an entry for this variant (Variation ID: 201867). Algorithms developed to predict the effect of missense changes on protein structure and function output the following: SIFT: "Tolerated"; PolyPhen-2: "Benign"; Align-GVGD: "Class C0". The threonine amino acid residue is found in multiple mammalian species, which suggests that this missense change does not adversely affect protein function. In summary, the available evidence is currently insufficient to determine the role of this variant in disease. Therefore, it has been classified as a Variant of Uncertain Significance.

GeneDx
Classification: Uncertain significance. Last evaluated: 2018-07-19. Review status: criteria provided, single submitter. Criteria: GeneDx Variant Classification (06012015). Collection method: clinical testing. Allele origin: germline. Affected: yes.
Comment: A variant of uncertain significance has been identified in the MYPN gene. The S38T variant has not been published as pathogenic or been reported as benign to our knowledge. This variant is not observed at a significant frequency in large population cohorts (Lek et al., 2016). However, the S38T variant is a conservative amino acid substitution, which is not likely to impact secondary protein structure as these residues share similar properties. Finally, in-silico analyses, including protein predictors and evolutionary conservation, support that this variant does not alter protein structure/function. Therefore, based on the currently available information, it is unclear whether this variant is pathogenic or rare benign.

Literature cited by the submitters: PubMed 33954932 (cited by Ambry Genetics).